The following is an entry in ClinVar:

ClinVar aggregate classification (germline): Uncertain significance (1 of 4 stars; one submission).

gnomAD v4.1: 3 of 1,551,556 alleles (0.00019%); highest among the groups gnomAD compares: Non-Finnish European, 0.00026%; no homozygotes.

Submission:

Women's Health and Genetics/Laboratory Corporation of America, LabCorp
Classification: Uncertain significance. Last evaluated: 2024-05-31. Review status: criteria provided, single submitter. Criteria: LabCorp Variant Classification Summary - May 2015. Collection method: clinical testing. Allele origin: germline.
Comment: Variant summary: SETD2 c.1309A>G (p.Ser437Gly) results in a non-conservative amino acid change in the encoded protein sequence. Three of five in-silico tools predict a benign effect of the variant on protein function. The variant was absent in 157508 control chromosomes. The available data on variant occurrences in the general population are insufficient to allow any conclusion about variant significance. To our knowledge, no occurrence of c.1309A>G in individuals affected with Luscan-Lumish Syndrome and no experimental evidence demonstrating its impact on protein function have been reported. No submitters have cited clinical-significance assessments for this variant to ClinVar. Based on the evidence outlined above, the variant was classified as uncertain significance.

NM_014159.7(SETD2):c.1309A>G (p.Ser437Gly)

Gene: SETD2 (SET domain containing 2, histone lysine methyltransferase; minus strand). Cytogenetic location: 3p21.31.
Variant type: single nucleotide variant.
Coding change: c.1309A>G on transcript NM_014159.7 (MANE Select); coding-DNA position 1309, A replaced by G.
Protein change: p.Ser437Gly; replaces serine 437 with glycine.
Molecular consequence: missense variant. On other transcripts: non-coding transcript variant (1).
Genome position (GRCh38, 1-based): chr3:47,123,327, T>C on the plus strand (A>G on the coding strand, the complement: SETD2 is on the minus strand). VCF-style: chr3-47123327-T-C. GRCh37 (hg19) VCF-style: chr3-47164817-T-C.
Other names: c.1177A>G, p.Ser393Gly (NM_001349370.3); short protein forms S393G, S437G.
Identifiers: ClinVar variation 3336305 (VCV003336305.1).